The following is an entry in ClinVar:

NM_003126.4(SPTA1):c.114C>G (p.Phe38Leu)

Gene: SPTA1 (spectrin alpha, erythrocytic 1; minus strand). Cytogenetic location: 1q23.1.
Variant type: single nucleotide variant.
Coding change: c.114C>G on transcript NM_003126.4 (MANE Select); coding-DNA position 114, C replaced by G.
Protein change: p.Phe38Leu; replaces phenylalanine 38 with leucine.
Molecular consequence: missense variant.
Genome position (GRCh38, 1-based): chr1:158,685,258, G>C on the plus strand (C>G on the coding strand, the complement: SPTA1 is on the minus strand). VCF-style: chr1-158685258-G-C. GRCh37 (hg19) VCF-style: chr1-158655048-G-C.
Other names: short protein forms F38L.
Identifiers: ClinVar variation 3622809 (VCV003622809.2).

ClinVar aggregate classification (germline): Uncertain significance (1 of 4 stars; one submission).

gnomAD v4.1: 2 of 1,613,678 alleles (0.00012%); highest among the groups gnomAD compares: East Asian, 0.0022%; no homozygotes.

Submission:

Labcorp Genetics (formerly Invitae), Labcorp
Classification: Uncertain significance. Last evaluated: 2024-05-12. Review status: criteria provided, single submitter. Criteria: Invitae Variant Classification Sherloc (09022015). Collection method: clinical testing. Allele origin: germline.
Comment: This sequence change replaces phenylalanine, which is neutral and non-polar, with leucine, which is neutral and non-polar, at codon 38 of the SPTA1 protein (p.Phe38Leu). This variant is not present in population databases (gnomAD no frequency). This variant has not been reported in the literature in individuals affected with SPTA1-related conditions. Advanced modeling of protein sequence and biophysical properties (such as structural, functional, and spatial information, amino acid conservation, physicochemical variation, residue mobility, and thermodynamic stability) performed at Invitae indicates that this missense variant is expected to disrupt SPTA1 protein function with a positive predictive value of 80%. In summary, the available evidence is currently insufficient to determine the role of this variant in disease. Therefore, it has been classified as a Variant of Uncertain Significance.